The following is an entry in ClinVar:

NM_178170.3(NEK8):c.827+1G>T

Gene: NEK8 (NIMA related kinase 8; plus strand). Cytogenetic location: 17q11.2.
Variant type: single nucleotide variant.
Coding change: c.827+1G>T on transcript NM_178170.3 (MANE Select); the canonical splice donor site of the intron after coding-DNA position 827, G replaced by T.
Molecular consequence: splice donor variant.
Genome position (GRCh38, 1-based): chr17:28,737,515, G>T. VCF-style: chr17-28737515-G-T. GRCh37 (hg19) VCF-style: chr17-27064533-G-T.
Identifiers: ClinVar variation 4997865 (VCV004997865.1).
Genomic context (GRCh38, chr17:28,737,515, plus strand): 5'-CCTCTGCATCCGTGCCCTCCTCAACCTCCACACCGACGTGGGCAGTGTCCGCATGCGGAG[G>T]CCTGTGCAGGGACAGCGAGCGGTCCTGGGCGGCAGGGTGTGGGCACCCAGTGGGAGCACA-3'

ClinVar aggregate classification (germline): Likely pathogenic (1 of 4 stars; one submission).

Conditions:
NEK8-related disorder. Also called: NEK8-related condition.

gnomAD v4.1: 3 of 1,613,076 alleles (0.00019%); highest among the groups gnomAD compares: Non-Finnish European, 0.00025%; no homozygotes.

Submission:

PreventionGenetics, part of Exact Sciences
Classification: Likely pathogenic for NEK8-related condition. Last evaluated: 2025-08-09. Review status: criteria provided, single submitter. Criteria: ACMG Guidelines, 2015. Collection method: clinical testing. Allele origin: germline.
Comment: The NEK8 c.827+1G>T variant is predicted to disrupt the GT donor site and interfere with normal splicing. This variant is predicted to disrupt a canonical splice donor site based on available splicing prediction programs (SpliceAI, Jaganathan et al. 2019. PubMed ID: 30661751). To our knowledge, this variant has not been reported in the literature or in a large population database (gnomAD), indicating this variant is rare. Variants that disrupt the consensus splice donor site in NEK8 are expected to be pathogenic. This variant is interpreted as likely pathogenic.